The following is an entry in ClinVar:

NM_005732.4(RAD50):c.206A>G (p.Asp69Gly)

Gene: RAD50 (RAD50 double strand break repair protein; plus strand). Cytogenetic location: 5q31.1.
Variant type: single nucleotide variant.
Coding change: c.206A>G on transcript NM_005732.4 (MANE Select); coding-DNA position 206, A replaced by G.
Protein change: p.Asp69Gly; replaces aspartic acid 69 with glycine.
Molecular consequence: missense variant.
Genome position (GRCh38, 1-based): chr5:132,559,360, A>G. VCF-style: chr5-132559360-A-G. GRCh37 (hg19) VCF-style: chr5-131895052-A-G.
Other names: short protein forms D69G.
Identifiers: ClinVar variation 820645 (VCV000820645.10), dbSNP rs1580976281, ClinGen allele CA360953798.

ClinVar aggregate classification (germline): Uncertain significance. Review status: criteria provided, multiple submitters, no conflicts (2 of 4 stars). 2 submissions from 2 submitters: Uncertain significance (2). Last evaluated 2023-01-19.

Conditions:
Hereditary cancer-predisposing syndrome. Also called: Neoplastic Syndromes, Hereditary; Tumor predisposition; Hereditary Cancer Syndrome; Hereditary neoplastic syndrome. Identifiers: Orphanet 140162, MedGen C0027672, MeSH D009386, MONDO:0015356.

Submissions (2):

Labcorp Genetics (formerly Invitae), Labcorp
Classification: Uncertain significance for Hereditary cancer-predisposing syndrome. Last evaluated: 2023-01-19. Review status: criteria provided, single submitter. Criteria: Invitae Variant Classification Sherloc (09022015). Collection method: clinical testing. Allele origin: germline.
Comment: In summary, the available evidence is currently insufficient to determine the role of this variant in disease. Therefore, it has been classified as a Variant of Uncertain Significance. Advanced modeling of protein sequence and biophysical properties (such as structural, functional, and spatial information, amino acid conservation, physicochemical variation, residue mobility, and thermodynamic stability) performed at Invitae indicates that this missense variant is expected to disrupt RAD50 protein function. ClinVar contains an entry for this variant (Variation ID: 820645). This variant has not been reported in the literature in individuals affected with RAD50-related conditions. This variant is not present in population databases (gnomAD no frequency). This sequence change replaces aspartic acid, which is acidic and polar, with glycine, which is neutral and non-polar, at codon 69 of the RAD50 protein (p.Asp69Gly).

Ambry Genetics
Classification: Uncertain significance for Hereditary cancer-predisposing syndrome. Last evaluated: 2018-03-14. Review status: criteria provided, single submitter. Criteria: Ambry Variant Classification Scheme 2023. Collection method: clinical testing. Allele origin: germline.
Comment: The p.D69G variant (also known as c.206A>G), located in coding exon 2 of the RAD50 gene, results from an A to G substitution at nucleotide position 206. The aspartic acid at codon 69 is replaced by glycine, an amino acid with similar properties. This amino acid position is highly conserved in available vertebrate species. In addition, the in silico prediction for this alteration is inconclusive. Since supporting evidence is limited at this time, the clinical significance of this alteration remains unclear.